The following is an entry in ClinVar:

ClinVar aggregate classification (germline): Likely benign (1 of 4 stars; one submission).

Conditions:
EBF1-related condition.

gnomAD v4.1: 106 of 1,596,566 alleles (0.0066%); highest among the groups gnomAD compares: South Asian, 0.02%; no homozygotes.

Submission:

PreventionGenetics, part of Exact Sciences
Classification: Likely benign for EBF1-related condition. Last evaluated: 2026-02-12. Review status: criteria provided, single submitter. Criteria: ACMG Guidelines, 2015. Collection method: clinical testing. Allele origin: germline.
Comment: This variant is classified as likely benign based on ACMG/AMP sequence variant interpretation guidelines (Richards et al. 2015 PMID: 25741868, with internal and published modifications).

NM_024007.5(EBF1):c.1266G>A (p.Pro422=)

Gene: EBF1 (EBF transcription factor 1; minus strand). Cytogenetic location: 5q33.3.
Variant type: single nucleotide variant.
Coding change: c.1266G>A on transcript NM_024007.5 (MANE Select); coding-DNA position 1266, G replaced by A.
Protein change: p.Pro422=; no amino-acid change (proline 422 retained).
Molecular consequence: synonymous variant.
Genome position (GRCh38, 1-based): chr5:158,713,073, C>T on the plus strand (G>A on the coding strand, the complement: EBF1 is on the minus strand). VCF-style: chr5-158713073-C-T. GRCh37 (hg19) VCF-style: chr5-158140081-C-T.
Other names: c.1269G>A, p.Pro423= (NM_001290360.3, NM_001324101.2, NM_001324109.2); c.1266G>A, p.Pro422= (NM_001324103.2, NM_001364155.2); c.1242G>A, p.Pro414= (NM_001324106.2, NM_001324108.2); c.1245G>A, p.Pro415= (NM_001324107.2); c.870G>A, p.Pro290= (NM_001324111.2); c.1152G>A, p.Pro384= (NM_001364156.2); c.1155G>A, p.Pro385= (NM_001364157.2); c.843G>A, p.Pro281= (NM_001364158.2); and 2 more.
Identifiers: ClinVar variation 4988828 (VCV004988828.1).